The following is an entry in ClinVar:

ClinVar aggregate classification (germline): Conflicting classifications of pathogenicity. Review status: criteria provided, conflicting classifications (1 of 4 stars). 3 submissions from 3 submitters: Uncertain significance (1); Benign (1). 1 of the submissions does not count toward it. Last evaluated 2025-10-26.

Conditions:
NOTCH1-related disorder. Also called: NOTCH1-related condition; NOTCH1-related disorders.
Adams-Oliver syndrome 5 (AOS5). Identifiers: Orphanet 974, MedGen C4014970, MONDO:0014459, OMIM 616028.
Familial thoracic aortic aneurysm and aortic dissection (TAAD). Also called: Thoracic aortic aneurysms and dissections. Identifiers: Orphanet 91387, MedGen C4707243, MONDO:0019625.

Allele frequency attached by ClinVar (database versions not stated): gnomAD exomes 0.00002 and 0.00003; ExAC 0.00004; gnomAD 0.00006; TOPMed 0.00011.
gnomAD v4.1: 54 of 1,610,240 alleles (0.0034%); highest among the groups gnomAD compares: Admixed American, 0.017%; no homozygotes.

Submissions (3):

Labcorp Genetics (formerly Invitae), Labcorp
Classification: Benign for Adams-Oliver syndrome 5. Last evaluated: 2025-10-26. Review status: criteria provided, single submitter. Criteria: Invitae Variant Classification Sherloc (09022015). Collection method: clinical testing. Allele origin: germline.

Ambry Genetics
Classification: Uncertain significance for Familial thoracic aortic aneurysm and aortic dissection. Last evaluated: 2025-02-09. Review status: criteria provided, single submitter. Criteria: Ambry Variant Classification Scheme 2023. Collection method: clinical testing. Allele origin: germline.
Comment: The p.V874I variant (also known as c.2620G>A), located in coding exon 17 of the NOTCH1 gene, results from a G to A substitution at nucleotide position 2620. The valine at codon 874 is replaced by isoleucine, an amino acid with highly similar properties. This amino acid position is conserved. In addition, the in silico prediction for this alteration is inconclusive. Since supporting evidence is limited at this time, the clinical significance of this alteration remains unclear.

PreventionGenetics, part of Exact Sciences
Classification: Uncertain significance for NOTCH1-related condition. Last evaluated: 2024-08-27. Review status: no assertion criteria provided. Collection method: clinical testing. Allele origin: germline. Not counted in ClinVar's aggregate classification.
Comment: The NOTCH1 c.2620G>A variant is predicted to result in the amino acid substitution p.Val874Ile. To our knowledge, this variant has not been reported in the literature. This variant is reported in 0.0065% of alleles in individuals of South Asian descent in gnomAD. At this time, the clinical significance of this variant is uncertain due to the absence of conclusive functional and genetic evidence.

NM_017617.5(NOTCH1):c.2620G>A (p.Val874Ile)

Gene: NOTCH1 (notch receptor 1; minus strand). Cytogenetic location: 9q34.3.
Variant type: single nucleotide variant.
Coding change: c.2620G>A on transcript NM_017617.5 (MANE Select); coding-DNA position 2620, G replaced by A.
Protein change: p.Val874Ile; replaces valine 874 with isoleucine.
Molecular consequence: missense variant.
Genome position (GRCh38, 1-based): chr9:136,510,773, C>T on the plus strand (G>A on the coding strand, the complement: NOTCH1 is on the minus strand). VCF-style: chr9-136510773-C-T. GRCh37 (hg19) VCF-style: chr9-139405225-C-T.
Other names: c.2620G>A (NM_017617.4); short protein forms V874I.
Identifiers: ClinVar variation 957593 (VCV000957593.12), dbSNP rs776698364, ClinGen allele CA5341223.